The following is an entry in ClinVar:

ClinVar aggregate classification (germline): Uncertain significance. Review status: criteria provided, multiple submitters, no conflicts (2 of 4 stars). 2 submissions from 2 submitters: Uncertain significance (2). Last evaluated 2023-03-22.

Conditions:
Inborn genetic diseases. Identifiers: MedGen C0950123, MeSH D030342.
Joubert syndrome. Also called: CEREBELLOPARENCHYMAL DISORDER IV; JOUBERT-BOLTSHAUSER SYNDROME; Familial aplasia of the vermis. Identifiers: Orphanet 475, MedGen C5979921, MONDO:0018772.
Nephronophthisis. Also called: Juvenile Nephronophthisis. Identifiers: Orphanet 655, MedGen C0687120, MONDO:0019005, HP:0000090.
Meckel-Gruber syndrome. Also called: DYSENCEPHALIA SPLANCHNOCYSTICA; GRUBER SYNDROME; Dysencephalia splachnocystica. Identifiers: Orphanet 564, MedGen C0265215, MONDO:0018921.

Allele frequency attached by ClinVar (database versions not stated): gnomAD exomes below 0.00001; ExAC 0.00001; TOPMed 0.00002.
gnomAD v4.1: 2 of 1,613,752 alleles (0.00012%); highest among the groups gnomAD compares: East Asian, 0.0022%; no homozygotes.

Submissions (2):

Ambry Genetics
Classification: Uncertain significance for Inborn genetic diseases. Last evaluated: 2023-03-22. Review status: criteria provided, single submitter. Criteria: Ambry Variant Classification Scheme 2023. Collection method: clinical testing. Allele origin: germline.

Labcorp Genetics (formerly Invitae), Labcorp
Classification: Uncertain significance for Joubert syndrome; Meckel-Gruber syndrome; Nephronophthisis. Last evaluated: 2022-03-13. Review status: criteria provided, single submitter. Criteria: Invitae Variant Classification Sherloc (09022015). Collection method: clinical testing. Allele origin: germline.
Comment: This sequence change replaces alanine, which is neutral and non-polar, with valine, which is neutral and non-polar, at codon 1277 of the CEP290 protein (p.Ala1277Val). This variant is present in population databases (rs749710169, gnomAD 0.02%). This variant has not been reported in the literature in individuals affected with CEP290-related conditions. Algorithms developed to predict the effect of missense changes on protein structure and function are either unavailable or do not agree on the potential impact of this missense change (SIFT: "Tolerated"; PolyPhen-2: "Probably Damaging"; Align-GVGD: "Class C0"). In summary, the available evidence is currently insufficient to determine the role of this variant in disease. Therefore, it has been classified as a Variant of Uncertain Significance.

NM_025114.4(CEP290):c.3830C>T (p.Ala1277Val)

Gene: CEP290 (centrosomal protein 290; minus strand). Cytogenetic location: 12q21.32.
Variant type: single nucleotide variant.
Coding change: c.3830C>T on transcript NM_025114.4 (MANE Select); coding-DNA position 3830, C replaced by T.
Protein change: p.Ala1277Val; replaces alanine 1277 with valine.
Molecular consequence: missense variant.
Genome position (GRCh38, 1-based): chr12:88,089,231, G>A on the plus strand (C>T on the coding strand, the complement: CEP290 is on the minus strand). VCF-style: chr12-88089231-G-A. GRCh37 (hg19) VCF-style: chr12-88483008-G-A.
Other names: short protein forms A1277V.
Identifiers: ClinVar variation 2111054 (VCV002111054.3), dbSNP rs749710169, ClinGen allele CA6712072.